The following is an entry in ClinVar:

ClinVar aggregate classification (germline): Uncertain significance (1 of 4 stars; one submission).

gnomAD v4.1: 4 of 1,614,216 alleles (0.00025%); highest among the groups gnomAD compares: East Asian, 0.0022%; no homozygotes.

Submission:

Labcorp Genetics (formerly Invitae), Labcorp
Classification: Uncertain significance. Last evaluated: 2024-07-17. Review status: criteria provided, single submitter. Criteria: Invitae Variant Classification Sherloc (09022015). Collection method: clinical testing. Allele origin: germline.
Comment: This sequence change replaces glutamic acid, which is acidic and polar, with glycine, which is neutral and non-polar, at codon 394 of the ITSN2 protein (p.Glu394Gly). This variant is not present in population databases (gnomAD no frequency). This variant has not been reported in the literature in individuals affected with ITSN2-related conditions. Experimental studies and prediction algorithms are not available or were not evaluated, and the functional significance of this variant is currently unknown. In summary, the available evidence is currently insufficient to determine the role of this variant in disease. Therefore, it has been classified as a Variant of Uncertain Significance.

NM_006277.3(ITSN2):c.1181A>G (p.Glu394Gly)

Gene: ITSN2 (intersectin 2; minus strand). Cytogenetic location: 2p23.3.
Variant type: single nucleotide variant.
Coding change: c.1181A>G on transcript NM_006277.3 (MANE Select); coding-DNA position 1181, A replaced by G.
Protein change: p.Glu394Gly; replaces glutamic acid 394 with glycine.
Molecular consequence: missense variant.
Genome position (GRCh38, 1-based): chr2:24,300,072, T>C on the plus strand (A>G on the coding strand, the complement: ITSN2 is on the minus strand). VCF-style: chr2-24300072-T-C. GRCh37 (hg19) VCF-style: chr2-24522941-T-C.
Other names: c.1139A>G, p.Glu380Gly (NM_001348181.2, NM_001348184.2); c.1181A>G, p.Glu394Gly (NM_001348182.2, NM_001348183.2, NM_001348185.2 and 3 more transcripts); short protein forms E394G, E380G.
Identifiers: ClinVar variation 3700946 (VCV003700946.2).